The following is an entry in ClinVar:

NM_138576.4(BCL11B):c.1223C>T (p.Pro408Leu)

Gene: BCL11B (BCL11 transcription factor B; minus strand). Cytogenetic location: 14q32.2.
Variant type: single nucleotide variant.
Coding change: c.1223C>T on transcript NM_138576.4 (MANE Select); coding-DNA position 1223, C replaced by T.
Protein change: p.Pro408Leu; replaces proline 408 with leucine.
Molecular consequence: missense variant.
Genome position (GRCh38, 1-based): chr14:99,175,613, G>A on the plus strand (C>T on the coding strand, the complement: BCL11B is on the minus strand). VCF-style: chr14-99175613-G-A. GRCh37 (hg19) VCF-style: chr14-99641950-G-A.
Other names: c.1220C>T, p.Pro407Leu (NM_001282237.2); c.1007C>T, p.Pro336Leu (NM_001282238.2); c.1010C>T, p.Pro337Leu (NM_022898.3); short protein forms P336L, P337L, P407L, P408L.
Identifiers: ClinVar variation 1691666 (VCV001691666.6), dbSNP rs1452791078, ClinGen allele CA390935859.

ClinVar aggregate classification (germline): Uncertain significance. Review status: criteria provided, multiple submitters, no conflicts (2 of 4 stars). 3 submissions from 3 submitters: Uncertain significance (3). Last evaluated 2024-06-02.

Allele frequency attached by ClinVar (database versions not stated): gnomAD exomes below 0.00001.
gnomAD v4.1: 2 of 1,563,920 alleles (0.00013%); highest among the groups gnomAD compares: Non-Finnish European, 0.00017%; no homozygotes.

Submissions (3):

Labcorp Genetics (formerly Invitae), Labcorp
Classification: Uncertain significance. Last evaluated: 2024-06-02. Review status: criteria provided, single submitter. Criteria: Invitae Variant Classification Sherloc (09022015). Collection method: clinical testing. Allele origin: germline.
Comment: This sequence change replaces proline, which is neutral and non-polar, with leucine, which is neutral and non-polar, at codon 408 of the BCL11B protein (p.Pro408Leu). This variant is not present in population databases (gnomAD no frequency). This variant has not been reported in the literature in individuals affected with BCL11B-related conditions. ClinVar contains an entry for this variant (Variation ID: 1691666). Advanced modeling of protein sequence and biophysical properties (such as structural, functional, and spatial information, amino acid conservation, physicochemical variation, residue mobility, and thermodynamic stability) performed at Invitae indicates that this missense variant is not expected to disrupt BCL11B protein function with a negative predictive value of 80%. In summary, the available evidence is currently insufficient to determine the role of this variant in disease. Therefore, it has been classified as a Variant of Uncertain Significance.

GeneDx
Classification: Uncertain significance. Last evaluated: 2021-12-11. Review status: criteria provided, single submitter. Criteria: GeneDx Variant Classification Process June 2021. Collection method: clinical testing. Allele origin: germline. Affected: yes.
Comment: In silico analysis supports that this missense variant has a deleterious effect on protein structure/function; Has not been previously published as pathogenic or benign to our knowledge

Blueprint Genetics
Classification: Uncertain significance. Last evaluated: 2021-02-19. Review status: criteria provided, single submitter. Criteria: ACMG Guidelines, 2015. Collection method: clinical testing. Allele origin: germline.